The following is an entry in ClinVar:

NM_024577.4(SH3TC2):c.*5368C>T

Gene: SH3TC2 (SH3 domain and tetratricopeptide repeats 2; minus strand). Cytogenetic location: 5q32.
Variant type: single nucleotide variant.
Coding change: c.*5368C>T on transcript NM_024577.4 (MANE Select); 5368 bases downstream of the stop codon, C replaced by T.
Molecular consequence: 3 prime UTR variant.
Genome position (GRCh38, 1-based): chr5:148,999,343, G>A on the plus strand (C>T on the coding strand, the complement: SH3TC2 is on the minus strand). VCF-style: chr5-148999343-G-A. GRCh37 (hg19) VCF-style: chr5-148378906-G-A.
Identifiers: ClinVar variation 351810 (VCV000351810.5), dbSNP rs189202481, ClinGen allele CA10619552.
Genomic context (GRCh38, chr5:148,999,343, plus strand): 5'-AGCCATTTCCTTGTCTATGACATAAGTAAGTCTGATATAATTCTGACAGCCCTGGGCTCA[G>A]GGAAGTTAATTAATTTGCAGAAGGTCACACAGCTAGTAAGAAACAGATTCTAACCTAAGT-3'

ClinVar aggregate classification (germline): Conflicting classifications of pathogenicity. Review status: criteria provided, conflicting classifications (1 of 4 stars). 2 submissions from 1 submitter: Uncertain significance (1); Likely benign (1). Last evaluated 2018-01-12.

Conditions:
Susceptibility to mononeuropathy of the median nerve, mild. Also called: CARPAL TUNNEL SYNDROME, SUSCEPTIBILITY TO. Identifiers: MedGen C3150596, MONDO:0013237, OMIM 613353.
Charcot-Marie-Tooth disease type 4C (CMT4C). Also called: CHARCOT-MARIE-TOOTH DISEASE, DEMYELINATING, AUTOSOMAL RECESSIVE, TYPE 4C; CMT 4C; Charcot-Marie-Tooth Neuropathy Type 4C (CMT4C); CHARCOT-MARIE-TOOTH DISEASE, DEMYELINATING, TYPE 4C; SH3TC2-Related Hereditary Motor and Sensory Neuropathy. Identifiers: Orphanet 99949, MedGen C1866636, MONDO:0011113, OMIM 601596.

Allele frequency attached by ClinVar (database versions not stated): TOPMed 0.00038; 1000 Genomes Project 0.00120; 1000 Genomes Project 30x 0.00125; gnomAD 0.00314 and 0.00329.
gnomAD v4.1: 471 of 152,288 alleles (0.31%); highest among the groups gnomAD compares: Non-Finnish European, 0.13%; 9 homozygotes.

Submissions (2):

Illumina Laboratory Services, Illumina
Classification: Uncertain significance for Charcot-Marie-Tooth disease type 4C. Last evaluated: 2018-01-12. Review status: criteria provided, single submitter. Criteria: ICSL Variant Classification Criteria 13 December 2019. Collection method: clinical testing. Allele origin: germline.

Illumina Laboratory Services, Illumina
Classification: Likely benign for Susceptibility to mononeuropathy of the median nerve, mild. Last evaluated: 2018-01-12. Review status: criteria provided, single submitter. Criteria: ICSL Variant Classification Criteria 13 December 2019. Collection method: clinical testing. Allele origin: germline.
Comment: This variant was observed in the ICSL laboratory as part of a predisposition screen in an ostensibly healthy population. It had not been previously curated by ICSL or reported in the Human Gene Mutation Database (HGMD: prior to June 1st, 2018), and was therefore a candidate for classification through an automated scoring system. Utilizing variant allele frequency, disease prevalence and penetrance estimates, and inheritance mode, an automated score was calculated to assess if this variant is too frequent to cause the disease. Based on the score and internal cut-off values, a variant classified as likely benign is not then subjected to further curation. The score for this variant resulted in a classification of likely benign for this disease.